The following is an entry in ClinVar:

ClinVar aggregate classification (germline): Pathogenic (1 of 4 stars; one submission).

Submission:

GeneDx
Classification: Pathogenic. Last evaluated: 2016-06-03. Review status: criteria provided, single submitter. Criteria: GeneDx Variant Classification (06012015). Collection method: clinical testing. Allele origin: germline. Affected: yes.
Comment: The Q1397X pathogenic variant in the CHD7 gene has not been reported previously as a pathogenic variant nor as a benign variant, to our knowledge. This variant is predicted to cause loss of normal protein function either through protein truncation or nonsense-mediated mRNA decay. The Q1397X variant was not observed in approximately 5900 individuals of European and African American ancestry in the NHLBI Exome Sequencing Project, indicating it is not a common benign variant in these populations. We interpret Q1397X as a pathogenic variant.

NM_017780.4(CHD7):c.4189C>T (p.Gln1397Ter)

Gene: CHD7 (chromodomain helicase DNA binding protein 7; plus strand). Cytogenetic location: 8q12.2.
Variant type: single nucleotide variant.
Coding change: c.4189C>T on transcript NM_017780.4 (MANE Select); coding-DNA position 4189, C replaced by T.
Protein change: p.Gln1397Ter; replaces glutamine 1397 with a stop codon.
Molecular consequence: nonsense. On other transcripts: intron variant (1).
Genome position (GRCh38, 1-based): chr8:60,837,671, C>T. VCF-style: chr8-60837671-C-T. GRCh37 (hg19) VCF-style: chr8-61750230-C-T.
Other names: c.1717-24558C>T (NM_001316690.1); c.4189C>T (LRG_176t1); short protein forms Q1397*.
Identifiers: ClinVar variation 279761 (VCV000279761.2), dbSNP rs886041169, ClinGen allele CA10602998.
Genomic context (GRCh38, chr8:60,837,671, plus strand): 5'-GGGGAGACAGAAACATTAGGTTCATTGCAGTAACTATTAATTTCATTTTTCTTCCAGGCT[C>T]AGGCTAGATGTCATAGAATAGGACAGAGCAAATCTGTGAAAATCTACAGGCTGATTACAA-3'